The following is an entry in ClinVar:

ClinVar aggregate classification (germline): Pathogenic. Review status: reviewed by expert panel (3 of 4 stars). 5 submissions from 5 submitters: Pathogenic (1). 4 of the submissions do not count toward it. Last evaluated 2017-12-15.

Conditions:
Hereditary breast ovarian cancer syndrome. Also called: Breast and ovarian cancer; Hereditary breast and ovarian cancer; Hereditary breast and ovarian cancer syndrome; Hereditary breast and/or ovarian cancer syndrome; BRCA1- and BRCA2-Associated Hereditary Breast and Ovarian Cancer; Hereditary breast and ovarian cancer syndrome (HBOC). Identifiers: Orphanet 145, MedGen C0677776, MeSH D061325, MONDO:0003582. Disease mechanism: loss of function.
Hereditary cancer-predisposing syndrome. Also called: Tumor predisposition; Hereditary Cancer Syndrome; Neoplastic Syndromes, Hereditary; Hereditary neoplastic syndrome. Identifiers: Orphanet 140162, MedGen C0027672, MeSH D009386, MONDO:0015356.
Breast-ovarian cancer, familial, susceptibility to, 1 (BROVCA1). Also called: BRCA1 Hereditary Breast and Ovarian Cancer; OVARIAN CANCER, SUSCEPTIBILITY TO. Identifiers: Orphanet 145, MedGen C2676676, MONDO:0011450, OMIM 604370. Disease mechanism: loss of function.

Submissions (5):

Evidence-based Network for the Interpretation of Germline Mutant Alleles (ENIGMA)
Classification: Pathogenic for Breast-ovarian cancer, familial, susceptibility to, 1. Last evaluated: 2017-12-15. Review status: reviewed by expert panel. Criteria: ENIGMA BRCA1/2 Classification Criteria (2017-06-29). Collection method: curation. Allele origin: germline. Study: ENIGMA.
Comment: Variant allele predicted to encode a truncated non-functional protein.

Women's Health and Genetics/Laboratory Corporation of America, LabCorp
Classification: Pathogenic for Hereditary breast ovarian cancer syndrome. Last evaluated: 2025-05-28. Review status: criteria provided, single submitter. Criteria: LabCorp Variant Classification Summary - May 2015. Collection method: clinical testing. Allele origin: germline. Not counted in ClinVar's aggregate classification.
Comment: Variant summary: BRCA1 c.1252delG (p.Glu418ArgfsX2) results in a premature termination codon, predicted to cause a truncation of the encoded protein or absence of the protein due to nonsense mediated decay, which are commonly known mechanisms for disease. The variant was absent in 250828 control chromosomes. To our knowledge, no occurrence of c.1252delG in individuals affected with Hereditary Breast And Ovarian Cancer Syndrome and no experimental evidence demonstrating its impact on protein function have been reported. ClinVar contains an entry for this variant (Variation ID: 233760). Based on the evidence outlined above, the variant was classified as pathogenic.

Ambry Genetics
Classification: Pathogenic for Hereditary cancer-predisposing syndrome. Last evaluated: 2022-08-01. Review status: criteria provided, single submitter. Criteria: Ambry Variant Classification Scheme 2023. Collection method: clinical testing. Allele origin: germline. Not counted in ClinVar's aggregate classification.
Comment: The c.1252delG pathogenic mutation, located in coding exon 9 of the BRCA1 gene, results from a deletion of one nucleotide at nucleotide position 1252, causing a translational frameshift with a predicted alternate stop codon (p.E418Rfs*2). This variant is considered to be rare based on population cohorts in the Genome Aggregation Database (gnomAD). This alteration is expected to result in loss of function by premature protein truncation or nonsense-mediated mRNA decay. As such, this alteration is interpreted as a disease-causing mutation.

Labcorp Genetics (formerly Invitae), Labcorp
Classification: Pathogenic for Hereditary breast ovarian cancer syndrome. Last evaluated: 2018-08-20. Review status: criteria provided, single submitter. Criteria: Invitae Variant Classification Sherloc (09022015). Collection method: clinical testing. Allele origin: germline. Not counted in ClinVar's aggregate classification.
Comment: Loss-of-function variants in BRCA1 are known to be pathogenic (PMID: 20104584). For these reasons, this variant has been classified as Pathogenic. This variant has not been reported in the literature in individuals with BRCA1-related disease. ClinVar contains an entry for this variant (Variation ID: 233760). This variant is not present in population databases (ExAC no frequency). This sequence change creates a premature translational stop signal (p.Glu418Argfs*2) in the BRCA1 gene. It is expected to result in an absent or disrupted protein product.

GeneDx
Classification: Pathogenic. Last evaluated: 2015-05-07. Review status: criteria provided, single submitter. Criteria: GeneDx Variant Classification (06012015). Collection method: clinical testing. Allele origin: germline. Affected: yes. Not counted in ClinVar's aggregate classification.
Comment: This deletion of one nucleotide in BRCA1 is denoted c.1252delG at the cDNA level and p.Glu418ArgfsX2 (E418RfsX2) at the protein level. Using alternate nomenclature, this variant would be defined as BRCA1 1371delG. The normal sequence, with the base that is deleted in braces, is AAAT[G]AGGT. The deletion causes a frameshift, which changes a Glutamic Acid to an Arginine at codon 418, and creates a premature stop codon at position 2 of the new reading frame. Although this variant has not, to our knowledge, been reported in the literature, it is predicted to cause loss of normal protein function through either protein truncation or nonsense-mediated mRNA decay. we consider this variant to be pathogenic.

Literature cited by the submitters: PubMed 20104584 (cited by Labcorp Genetics (formerly Invitae), Labcorp).

NM_007294.4(BRCA1):c.1252del (p.Glu418fs)

Gene: BRCA1 (BRCA1 DNA repair associated; minus strand). Cytogenetic location: 17q21.31.
Variant type: Deletion.
Coding change: c.1252del on transcript NM_007294.4 (MANE Select); coding-DNA position 1252, one base deleted (G; older notation c.1252delG).
Protein change: p.Glu418fs; shifts the reading frame from glutamic acid 418.
Molecular consequence: frameshift variant. On other transcripts: intron variant (137).
Genome position (GRCh38, 1-based): chr17:43,094,279, C deleted on the plus strand (G on the coding strand, the reverse complement: BRCA1 is on the minus strand). VCF-style (leftmost placement, unchanged base first): chr17-43094278-TC-T. GRCh37 (hg19) VCF-style: chr17-41246295-TC-T.
Other names: c.1129del, p.Glu377fs (NM_001407679.1, NM_001407680.1, NM_001407681.1 and 19 more transcripts); c.1252del, p.Glu418fs (NM_001407684.1, NM_001407854.1, NM_001407858.1 and 30 more transcripts); c.1126del, p.Glu376fs (NM_001407685.1, NM_001407686.1, NM_001407687.1 and 11 more transcripts); c.1111del, p.Glu371fs (NM_001407692.1, NM_001407694.1, NM_001407695.1 and 29 more transcripts); c.1108del, p.Glu370fs (NM_001407740.1, NM_001407741.1, NM_001407742.1 and 20 more transcripts); c.1039del, p.Glu347fs (NM_001407853.1, NM_001407894.1, NM_001407895.1 and 9 more transcripts); c.1249del, p.Glu417fs (NM_001407860.1, NM_001407861.1, NM_001407610.1 and 22 more transcripts); c.1051del, p.Glu351fs (NM_001407862.1); and 41 more; short protein forms E371fs, E418fs, E329fs, E330fs, E347fs, E350fs, E376fs, E122fs.
Identifiers: ClinVar variation 233760 (VCV000233760.16), dbSNP rs876660623, ClinGen allele CA10580673.